The following is an entry in ClinVar:

ClinVar aggregate classification (germline): Benign. Review status: criteria provided, single submitter (1 of 4 stars). 2 submissions from 2 submitters: Benign (1). 1 of the submissions does not count toward it. Last evaluated 2025-12-12.

Conditions:
Autosomal dominant childhood-onset proximal spinal muscular atrophy with contractures (SMALED2A). Also called: Spinal muscular atrophy, lower extremity-predominant, 2A, autosomal dominant; SPINAL MUSCULAR ATROPHY, LOWER EXTREMITY-PREDOMINANT, 2A, CHILDHOOD ONSET, AUTOSOMAL DOMINANT. Identifiers: Orphanet 363447, Orphanet 363454, MedGen C4747715, MONDO:0014121, OMIM 615290.
BICD2-related disorder. Also called: BICD2-related condition.

Allele frequency attached by ClinVar (database versions not stated): gnomAD exomes 0.00008 and 0.00048; gnomAD 0.00013 and 0.00014; 1000 Genomes Project 0.00020; TOPMed 0.00023; 1000 Genomes Project 30x 0.00031; ExAC 0.00060.
gnomAD v4.1: 136 of 1,601,740 alleles (0.0085%); highest among the groups gnomAD compares: East Asian, 0.29%; 1 homozygote.

Submissions (2):

Labcorp Genetics (formerly Invitae), Labcorp
Classification: Benign for Autosomal dominant childhood-onset proximal spinal muscular atrophy with contractures. Last evaluated: 2025-12-12. Review status: criteria provided, single submitter. Criteria: Invitae Variant Classification Sherloc (09022015). Collection method: clinical testing. Allele origin: germline.

PreventionGenetics, part of Exact Sciences
Classification: Benign for BICD2-related condition. Last evaluated: 2019-08-08. Review status: no assertion criteria provided. Collection method: clinical testing. Allele origin: germline. Not counted in ClinVar's aggregate classification.
Comment: This variant is classified as benign based on ACMG/AMP sequence variant interpretation guidelines (Richards et al. 2015 PMID: 25741868, with internal and published modifications).

NM_001003800.2(BICD2):c.2544G>A (p.Glu848=)

Gene: BICD2 (BICD cargo adaptor 2; minus strand). Cytogenetic location: 9q22.31.
Variant type: single nucleotide variant.
Coding change: c.2544G>A on transcript NM_001003800.2 (MANE Select); coding-DNA position 2544, G replaced by A.
Protein change: p.Glu848=; no amino-acid change (glutamic acid 848 retained).
Molecular consequence: synonymous variant. On other transcripts: intron variant (1).
Genome position (GRCh38, 1-based): chr9:92,715,178, C>T on the plus strand (G>A on the coding strand, the complement: BICD2 is on the minus strand). VCF-style: chr9-92715178-C-T. GRCh37 (hg19) VCF-style: chr9-95477460-C-T.
Other names: c.2469+75G>A (NM_015250.4).
Identifiers: ClinVar variation 703706 (VCV000703706.16), dbSNP rs533026038, ClinGen allele CA5126270.